The following is an entry in ClinVar:

NM_006070.6(TFG):c.709G>A (p.Gly237Ser)

Gene: TFG (trafficking from ER to golgi regulator; plus strand). Cytogenetic location: 3q12.2.
Variant type: single nucleotide variant.
Coding change: c.709G>A on transcript NM_006070.6 (MANE Select); coding-DNA position 709, G replaced by A.
Protein change: p.Gly237Ser; replaces glycine 237 with serine.
Molecular consequence: missense variant.
Genome position (GRCh38, 1-based): chr3:100,736,704, G>A. VCF-style: chr3-100736704-G-A. GRCh37 (hg19) VCF-style: chr3-100455548-G-A.
Other names: c.709G>A, p.Gly237Ser (NM_001007565.2, NM_001195478.2, NM_001195479.2); short protein forms G237S.
Identifiers: ClinVar variation 2934050 (VCV002934050.4), dbSNP rs2472120061, ClinGen allele CA353847620.

ClinVar aggregate classification (germline): Uncertain significance (1 of 4 stars; one submission).

Conditions:
Hereditary motor and sensory neuropathy, Okinawa type (HMSNO). Also called: HEREDITARY MOTOR AND SENSORY NEUROPATHY, PROXIMAL TYPE. Identifiers: Orphanet 90117, MedGen C1858338, MONDO:0011468, OMIM 604484.
Hereditary spastic paraplegia 57. Also called: Spastic paraplegia 57, autosomal recessive. Identifiers: Orphanet 431329, MedGen C3714897, MONDO:0014295, OMIM 615658.

Submissions (2):

Labcorp Genetics (formerly Invitae), Labcorp
Classification: Uncertain significance for Hereditary motor and sensory neuropathy, Okinawa type; Hereditary spastic paraplegia 57. Last evaluated: 2022-11-08. Review status: criteria provided, single submitter. Criteria: Invitae Variant Classification Sherloc (09022015). Collection method: clinical testing. Allele origin: germline.
Comment: Algorithms developed to predict the effect of missense changes on protein structure and function are either unavailable or do not agree on the potential impact of this missense change (SIFT: "Tolerated"; PolyPhen-2: "Possibly Damaging"; Align-GVGD: "Class C0"). This sequence change replaces glycine, which is neutral and non-polar, with serine, which is neutral and polar, at codon 237 of the TFG protein (p.Gly237Ser). This variant is not present in population databases (gnomAD no frequency). This variant has not been reported in the literature in individuals affected with TFG-related conditions. Algorithms developed to predict the effect of sequence changes on RNA splicing suggest that this variant may disrupt the consensus splice site. In summary, the available evidence is currently insufficient to determine the role of this variant in disease. Therefore, it has been classified as a Variant of Uncertain Significance.

Dr. Peter K. Rogan Lab, Western University
No classification provided (evidence only). Condition: Uterine corpus endometrial carcinoma. Review status: no classification provided. Collection method: in vitro. Allele origin: not applicable. Functional consequence: retained intron. Not counted in ClinVar's aggregate classification.